The following is an entry in ClinVar:

ClinVar aggregate classification (germline): Pathogenic (1 of 4 stars; one submission).

Allele frequency attached by ClinVar (database versions not stated): gnomAD 0.00001.
gnomAD v4.1: 9 of 1,317,142 alleles (0.00068%); highest among the groups gnomAD compares: Non-Finnish European, 0.00089%; no homozygotes.

Submission:

Labcorp Genetics (formerly Invitae), Labcorp
Classification: Pathogenic. Last evaluated: 2023-10-13. Review status: criteria provided, single submitter. Criteria: Invitae Variant Classification Sherloc (09022015). Collection method: clinical testing. Allele origin: germline.
Comment: This sequence change creates a premature translational stop signal (p.Glu2082*) in the OTOGL gene. It is expected to result in an absent or disrupted protein product. Loss-of-function variants in OTOGL are known to be pathogenic (PMID: 23122586). This variant is not present in population databases (gnomAD no frequency). This variant has not been reported in the literature in individuals affected with OTOGL-related conditions. ClinVar contains an entry for this variant (Variation ID: 1456193). Algorithms developed to predict the effect of sequence changes on RNA splicing suggest that this variant may disrupt the consensus splice site. For these reasons, this variant has been classified as Pathogenic.

Literature cited by the submitters: PubMed 23122586.

NM_001378609.3(OTOGL):c.6271G>T (p.Glu2091Ter)

Gene: OTOGL (otogelin like; plus strand). Cytogenetic location: 12q21.31.
Variant type: single nucleotide variant.
Coding change: c.6271G>T on transcript NM_001378609.3 (MANE Select); coding-DNA position 6271, G replaced by T.
Protein change: p.Glu2091Ter; replaces glutamic acid 2091 with a stop codon.
Molecular consequence: nonsense.
Genome position (GRCh38, 1-based): chr12:80,366,577, G>T. VCF-style: chr12-80366577-G-T. GRCh37 (hg19) VCF-style: chr12-80760357-G-T.
Other names: c.6271G>T, p.Glu2091Ter (NM_001378610.3, NM_173591.7); c.6136G>T, p.Glu2046Ter (NM_001368062.3); short protein forms E2091*, E2046*.
Identifiers: ClinVar variation 1456193 (VCV001456193.6), dbSNP rs1482428150, ClinGen allele CA385889012.